The following is an entry in ClinVar:

ClinVar aggregate classification (germline): Likely pathogenic (1 of 4 stars; one submission).

Allele frequency attached by ClinVar (database versions not stated): gnomAD exomes below 0.00001; ExAC 0.00001; gnomAD 0.00001; 1000 Genomes Project 0.00020; 1000 Genomes Project 30x 0.00031.
gnomAD v4.1: 3 of 1,613,686 alleles (0.00019%); highest among the groups gnomAD compares: Admixed American, 0.005%; no homozygotes.

Submission:

Labcorp Genetics (formerly Invitae), Labcorp
Classification: Likely pathogenic. Last evaluated: 2019-12-13. Review status: criteria provided, single submitter. Criteria: Invitae Variant Classification Sherloc (09022015). Collection method: clinical testing. Allele origin: germline.
Comment: In summary, the currently available evidence indicates that the variant is pathogenic, but additional data are needed to prove that conclusively. Therefore, this variant has been classified as Likely Pathogenic. Donor and acceptor splice site variants typically lead to a loss of protein function (PMID: 16199547), and loss-of-function variants in SPTA1 are known to be pathogenic (PMID: 9192783, 15384986, 18218854, 18815189, 24895341). Algorithms developed to predict the effect of sequence changes on RNA splicing suggest that this variant may disrupt the consensus splice site, but this prediction has not been confirmed by published transcriptional studies. This variant has not been reported in the literature in individuals with SPTA1-related conditions. This variant is present in population databases (rs199883479, ExAC 0.009%). This sequence change affects a donor splice site in intron 15 of the SPTA1 gene. It is expected to disrupt RNA splicing and likely results in an absent or disrupted protein product.

Literature cited by the submitters: PubMed 16199547; PubMed 9192783; PubMed 15384986; PubMed 18218854; PubMed 18815189; PubMed 24895341.

NM_003126.4(SPTA1):c.2038+1G>A

Gene: SPTA1 (spectrin alpha, erythrocytic 1; minus strand). Cytogenetic location: 1q23.1.
Variant type: single nucleotide variant.
Coding change: c.2038+1G>A on transcript NM_003126.4 (MANE Select); the canonical splice donor site of the intron after coding-DNA position 2038, G replaced by A.
Molecular consequence: splice donor variant.
Genome position (GRCh38, 1-based): chr1:158,667,857, C>T on the plus strand (G>A on the coding strand, the complement: SPTA1 is on the minus strand). VCF-style: chr1-158667857-C-T. GRCh37 (hg19) VCF-style: chr1-158637647-C-T.
Identifiers: ClinVar variation 856510 (VCV000856510.10), dbSNP rs199883479, ClinGen allele CA1183548.